The following is an entry in ClinVar:

NM_001033046.4(CYBC1):c.161G>A (p.Gly54Asp)

Gene: CYBC1 (cytochrome b-245 chaperone 1; minus strand). Cytogenetic location: 17q25.3.
Variant type: single nucleotide variant.
Coding change: c.161G>A on transcript NM_001033046.4 (MANE Select); coding-DNA position 161, G replaced by A.
Protein change: p.Gly54Asp; replaces glycine 54 with aspartic acid.
Molecular consequence: missense variant. On other transcripts: non-coding transcript variant (2).
Genome position (GRCh38, 1-based): chr17:82,446,663, C>T on the plus strand (G>A on the coding strand, the complement: CYBC1 is on the minus strand). VCF-style: chr17-82446663-C-T. GRCh37 (hg19) VCF-style: chr17-80404539-C-T.
Other names: c.161G>A, p.Gly54Asp (NM_001100407.3, NM_001193653.2, NM_001193654.2 and 2 more transcripts); c.119G>A, p.Gly40Asp (NM_001100408.3); short protein forms G54D, G40D.
Identifiers: ClinVar variation 2050002 (VCV002050002.4), dbSNP rs1192024685, ClinGen allele CA401609128.

ClinVar aggregate classification (germline): Uncertain significance (1 of 4 stars; one submission).

Allele frequency attached by ClinVar (database versions not stated): TOPMed below 0.00001; gnomAD 0.00001.
gnomAD v4.1: 4 of 1,614,004 alleles (0.00025%); highest among the groups gnomAD compares: Non-Finnish European, 0.00034%; no homozygotes.

Submission:

Labcorp Genetics (formerly Invitae), Labcorp
Classification: Uncertain significance. Last evaluated: 2022-08-21. Review status: criteria provided, single submitter. Criteria: Invitae Variant Classification Sherloc (09022015). Collection method: clinical testing. Allele origin: germline.
Comment: In summary, the available evidence is currently insufficient to determine the role of this variant in disease. Therefore, it has been classified as a Variant of Uncertain Significance. Algorithms developed to predict the effect of missense changes on protein structure and function (SIFT, PolyPhen-2, Align-GVGD) all suggest that this variant is likely to be disruptive. This variant has not been reported in the literature in individuals affected with C17orf62-related conditions. This variant is present in population databases (no rsID available, gnomAD 0.0009%). This sequence change replaces glycine, which is neutral and non-polar, with aspartic acid, which is acidic and polar, at codon 54 of the C17orf62 protein (p.Gly54Asp).